The following is an entry in ClinVar:

NM_000400.4(ERCC2):c.1433T>C (p.Met478Thr)

Gene: ERCC2 (ERCC excision repair 2, TFIIH core complex helicase subunit; minus strand). Cytogenetic location: 19q13.32.
Variant type: single nucleotide variant.
Coding change: c.1433T>C on transcript NM_000400.4 (MANE Select); coding-DNA position 1433, T replaced by C.
Protein change: p.Met478Thr; replaces methionine 478 with threonine.
Molecular consequence: missense variant.
Genome position (GRCh38, 1-based): chr19:45,357,316, A>G on the plus strand (T>C on the coding strand, the complement: ERCC2 is on the minus strand). VCF-style: chr19-45357316-A-G. GRCh37 (hg19) VCF-style: chr19-45860574-A-G.
Other names: short protein forms M478T.
Identifiers: ClinVar variation 1772560 (VCV001772560.3), dbSNP rs944171529, ClinGen allele CA308958900.
Genomic context (GRCh38, chr19:45,357,316, plus strand): 5'-CCTCTCCCACTCACCATAGGGCAGAGGCAGACCCGTGCCAGCGTCATGGTGAAGGTTGCC[A>G]TGGTGACGGGGTGGAAGTCCAGGATCTTGGGGTAGATGTCCAGCGGGGACAGTGTCTGTG-3'
Protein context (NP_000391.1, residues 468-488): PKILDFHPVT[Met478Thr]ATFTMTLARV

ClinVar aggregate classification (germline): Uncertain significance (1 of 4 stars; one submission).

Conditions:
Inborn genetic diseases. Identifiers: MedGen C0950123, MeSH D030342.

gnomAD v4.1: 1 of 1,614,168 alleles (0.000062%); highest among the groups gnomAD compares: East Asian, 0.0022%; no homozygotes.

Submission:

Ambry Genetics
Classification: Uncertain significance for Inborn genetic diseases. Last evaluated: 2024-09-23. Review status: criteria provided, single submitter. Criteria: Ambry Variant Classification Scheme 2023. Collection method: clinical testing. Allele origin: germline.
Comment: The p.M478T variant (also known as c.1433T>C), located in coding exon 15 of the ERCC2 gene, results from a T to C substitution at nucleotide position 1433. The methionine at codon 478 is replaced by threonine, an amino acid with similar properties. This amino acid position is conserved. In addition, this alteration is predicted to be deleterious by in silico analysis. Since supporting evidence is limited at this time, the clinical significance of this alteration remains unclear.